The following is an entry in ClinVar:

NM_014112.5(TRPS1):c.3629T>G (p.Leu1210Trp)

Gene: TRPS1 (transcriptional repressor GATA binding 1; minus strand). Cytogenetic location: 8q23.3.
Variant type: single nucleotide variant.
Coding change: c.3629T>G on transcript NM_014112.5 (MANE Select); coding-DNA position 3629, T replaced by G.
Protein change: p.Leu1210Trp; replaces leucine 1210 with tryptophan.
Molecular consequence: missense variant.
Genome position (GRCh38, 1-based): chr8:115,414,279, A>C on the plus strand (T>G on the coding strand, the complement: TRPS1 is on the minus strand). VCF-style: chr8-115414279-A-C. GRCh37 (hg19) VCF-style: chr8-116426507-A-C.
Other names: c.3602T>G, p.Leu1201Trp (NM_001282902.3); c.3608T>G, p.Leu1203Trp (NM_001282903.3); c.3590T>G, p.Leu1197Trp (NM_001330599.2); short protein forms L1201W, L1210W, L1197W, L1203W.
Identifiers: ClinVar variation 1450205 (VCV001450205.6), dbSNP rs2129746217, ClinGen allele CA372062343.

ClinVar aggregate classification (germline): Uncertain significance (1 of 4 stars; one submission).

Conditions:
Trichorhinophalangeal syndrome, type III (TRPS3). Also called: SUGIO-KAJII SYNDROME. Identifiers: Orphanet 77258, MedGen C1860823, OMIM 190351, MONDO:0008597.
Trichorhinophalangeal dysplasia type I (TRPS1). Also called: TRPS I; TRICHORHINOPHALANGEAL SYNDROME, TYPE I. Identifiers: Orphanet 77258, MedGen C0432233, MONDO:0008596, OMIM 190350.

gnomAD v4.1: 2 of 1,613,928 alleles (0.00012%); no homozygotes.

Submission:

Labcorp Genetics (formerly Invitae), Labcorp
Classification: Uncertain significance for Trichorhinophalangeal syndrome, type III; Trichorhinophalangeal dysplasia type I. Last evaluated: 2022-11-22. Review status: criteria provided, single submitter. Criteria: Invitae Variant Classification Sherloc (09022015). Collection method: clinical testing. Allele origin: germline.
Comment: In summary, the available evidence is currently insufficient to determine the role of this variant in disease. Therefore, it has been classified as a Variant of Uncertain Significance. Advanced modeling of protein sequence and biophysical properties (such as structural, functional, and spatial information, amino acid conservation, physicochemical variation, residue mobility, and thermodynamic stability) performed at Invitae indicates that this missense variant is not expected to disrupt TRPS1 protein function. ClinVar contains an entry for this variant (Variation ID: 1450205). This variant has not been reported in the literature in individuals affected with TRPS1-related conditions. This variant is not present in population databases (gnomAD no frequency). This sequence change replaces leucine, which is neutral and non-polar, with tryptophan, which is neutral and slightly polar, at codon 1210 of the TRPS1 protein (p.Leu1210Trp).